The following is an entry in ClinVar:

ClinVar aggregate classification (germline): Uncertain significance. Review status: criteria provided, multiple submitters, no conflicts (2 of 4 stars). 3 submissions from 3 submitters: Uncertain significance (3). Last evaluated 2026-06-30.

Conditions:
Inborn genetic diseases. Identifiers: MedGen C0950123, MeSH D030342.
Deficiency of aromatic-L-amino-acid decarboxylase. Also called: Aromatic L-Amino Acid Decarboxylase Deficiency; Aromatic amino acid decarboxylase deficiency; AADC DEFICIENCY; DDC DEFICIENCY; DOPA DECARBOXYLASE DEFICIENCY. Identifiers: Orphanet 35708, MedGen C1291564, MONDO:0012084, OMIM 608643.

Allele frequency attached by ClinVar (database versions not stated): gnomAD 0.00001 and 0.00003; ExAC 0.00002; TOPMed 0.00001; gnomAD exomes 0.00002 and 0.00001; 1000 Genomes Project 30x 0.00047; 1000 Genomes Project 0.00040.
gnomAD v4.1: 24 of 1,600,730 alleles (0.0015%); highest among the groups gnomAD compares: Admixed American, 0.013%; no homozygotes.

Submissions (3):

Ambry Genetics
Classification: Uncertain significance for Inborn genetic diseases. Last evaluated: 2026-06-30. Review status: criteria provided, single submitter. Criteria: Ambry Variant Classification Scheme 2023. Collection method: clinical testing. Allele origin: germline.
Comment: The c.1135C>T (p.R379C) alteration is located in exon 12 (coding exon 11) of the DDC gene. This alteration results from a C to T substitution at nucleotide position 1135, causing the arginine (R) at amino acid position 379 to be replaced by a cysteine (C). Based on data from gnomAD, the T allele has an overall frequency of 0.002% (6/251426) total alleles studied. The highest observed frequency was 0.016% (1/6140) of Other alleles. This amino acid position is highly conserved in available vertebrate species. The in silico prediction for this alteration is inconclusive. Based on insufficient or conflicting evidence, the clinical significance of this alteration remains unclear.

Labcorp Genetics (formerly Invitae), Labcorp
Classification: Uncertain significance for Deficiency of aromatic-L-amino-acid decarboxylase. Last evaluated: 2023-11-27. Review status: criteria provided, single submitter. Criteria: Invitae Variant Classification Sherloc (09022015). Collection method: clinical testing. Allele origin: germline.
Comment: This sequence change replaces arginine, which is basic and polar, with cysteine, which is neutral and slightly polar, at codon 379 of the DDC protein (p.Arg379Cys). This variant is present in population databases (rs201783949, gnomAD 0.01%). This variant has not been reported in the literature in individuals affected with DDC-related conditions. ClinVar contains an entry for this variant (Variation ID: 1431859). Advanced modeling of protein sequence and biophysical properties (such as structural, functional, and spatial information, amino acid conservation, physicochemical variation, residue mobility, and thermodynamic stability) performed at Invitae indicates that this missense variant is expected to disrupt DDC protein function with a positive predictive value of 80%. In summary, the available evidence is currently insufficient to determine the role of this variant in disease. Therefore, it has been classified as a Variant of Uncertain Significance.

Blueprint Genetics
Classification: Uncertain significance. Last evaluated: 2019-01-11. Review status: criteria provided, single submitter. Criteria: ACMG Guidelines, 2015. Collection method: clinical testing. Allele origin: germline.

Literature cited by the submitters: PubMed 28106320 (cited by Ambry Genetics).

NM_001082971.2(DDC):c.1135C>T (p.Arg379Cys)

Gene: DDC (dopa decarboxylase; minus strand). Cytogenetic location: 7p12.2.
Variant type: single nucleotide variant.
Coding change: c.1135C>T on transcript NM_001082971.2 (MANE Select); coding-DNA position 1135, C replaced by T.
Protein change: p.Arg379Cys; replaces arginine 379 with cysteine.
Molecular consequence: missense variant.
Genome position (GRCh38, 1-based): chr7:50,470,078, G>A on the plus strand (C>T on the coding strand, the complement: DDC is on the minus strand). VCF-style: chr7-50470078-G-A. GRCh37 (hg19) VCF-style: chr7-50537776-G-A.
Other names: c.1135C>T, p.Arg379Cys (NM_000790.4); c.1021C>T, p.Arg341Cys (NM_001242886.2); c.991C>T, p.Arg331Cys (NM_001242887.2); c.901C>T, p.Arg301Cys (NM_001242888.2); c.856C>T, p.Arg286Cys (NM_001242889.2); c.1135C>T (NM_000790.3); short protein forms R286C, R301C, R379C, R331C, R341C.
Identifiers: ClinVar variation 1431859 (VCV001431859.6), dbSNP rs201783949, ClinGen allele CA4262064.
Genomic context (GRCh38, chr7:50,470,078, plus strand): 5'-AAGTCCCGAAAGACCTCCGCAATTTTACCGTGATAAATAATAAAAACAAAGTCACCTTGC[G>A]GATATAAGCCTGCAGTCCTTTGACTCCATACATCCTAAATACAAACCACATTTTCAAAGA-3'
Protein context (NP_001076440.2, residues 369-389): YGVKGLQAYI[Arg379Cys]KHVQLSHEFE